The following is an entry in ClinVar:

ClinVar aggregate classification (germline): Likely benign (1 of 4 stars; one submission).

Submission:

CeGaT Center for Human Genetics Tuebingen
Classification: Likely benign. Last evaluated: 2025-02-01. Review status: criteria provided, single submitter. Criteria: CeGaT Center For Human Genetics Tuebingen Variant Classification Criteria Version 2. Collection method: clinical testing. Allele origin: germline. Affected: yes. Observed: 1 variant allele.
Comment: FOXF1: PM2:Supporting, BP4, BP7

NM_001451.3(FOXF1):c.399G>A (p.Glu133=)

Gene: FOXF1 (forkhead box F1; plus strand). Cytogenetic location: 16q24.1.
Variant type: single nucleotide variant.
Coding change: c.399G>A on transcript NM_001451.3 (MANE Select); coding-DNA position 399, G replaced by A.
Protein change: p.Glu133=; no amino-acid change (glutamic acid 133 retained).
Molecular consequence: synonymous variant.
Genome position (GRCh38, 1-based): chr16:86,510,968, G>A. VCF-style: chr16-86510968-G-A. GRCh37 (hg19) VCF-style: chr16-86544574-G-A.
Identifiers: ClinVar variation 3772551 (VCV003772551.13).